The following is an entry in ClinVar:

NM_000059.4(BRCA2):c.3905C>A (p.Thr1302Asn)

Gene: BRCA2 (BRCA2 DNA repair associated; plus strand). Cytogenetic location: 13q13.1.
Variant type: single nucleotide variant.
Coding change: c.3905C>A on transcript NM_000059.4 (MANE Select); coding-DNA position 3905, C replaced by A.
Protein change: p.Thr1302Asn; replaces threonine 1302 with asparagine.
Molecular consequence: missense variant.
Genome position (GRCh38, 1-based): chr13:32,338,260, C>A. VCF-style: chr13-32338260-C-A. GRCh37 (hg19) VCF-style: chr13-32912397-C-A.
Other names: short protein forms T1302N.
Identifiers: ClinVar variation 51558 (VCV000051558.4), dbSNP rs80358634, ClinGen allele CA019121.

ClinVar aggregate classification (germline): Likely benign. Review status: criteria provided, single submitter (1 of 4 stars). 2 submissions from 2 submitters: Likely benign (1). 1 of the submissions does not count toward it. Last evaluated 2023-03-23.

Conditions:
Breast-ovarian cancer, familial, susceptibility to, 2 (BROVCA2). Also called: BRCA2 Hereditary Breast and Ovarian Cancer. Identifiers: Orphanet 145, MedGen C2675520, MONDO:0012933, OMIM 612555. Disease mechanism: loss of function.
Hereditary cancer-predisposing syndrome. Also called: Neoplastic Syndromes, Hereditary; Tumor predisposition; Hereditary Cancer Syndrome; Hereditary neoplastic syndrome. Identifiers: Orphanet 140162, MedGen C0027672, MeSH D009386, MONDO:0015356.

Submissions (2):

University of Washington Department of Laboratory Medicine, University of Washington
Classification: Likely benign for Hereditary cancer-predisposing syndrome. Last evaluated: 2023-03-23. Review status: criteria provided, single submitter. Criteria: Dines et al. (Genet Med. 2020). Collection method: curation. Allele origin: germline.
Comment: Missense variant in a coldspot region where missense variants are very unlikely to be pathogenic (PMID:31911673).

BRCA2 exon 11 coldspot. Reclassification based on statistical prior probability.

Breast Cancer Information Core (BIC) (BRCA2)
Classification: Uncertain significance for Breast-ovarian cancer, familial 2. Review status: no assertion criteria provided. Collection method: clinical testing. Allele origin: germline. Affected: yes. Observed: 1 variant allele. Not counted in ClinVar's aggregate classification.